The following is an entry in ClinVar:

NM_000211.5(ITGB2):c.758G>A (p.Arg253His)

Gene: ITGB2 (integrin subunit beta 2; minus strand). Cytogenetic location: 21q22.3.
Variant type: single nucleotide variant.
Coding change: c.758G>A on transcript NM_000211.5 (MANE Select); coding-DNA position 758, G replaced by A.
Protein change: p.Arg253His; replaces arginine 253 with histidine.
Molecular consequence: missense variant.
Genome position (GRCh38, 1-based): chr21:44,900,459, C>T on the plus strand (G>A on the coding strand, the complement: ITGB2 is on the minus strand). VCF-style: chr21-44900459-C-T. GRCh37 (hg19) VCF-style: chr21-46320374-C-T.
Other names: c.758G>A, p.Arg253His (NM_001127491.3); c.551G>A, p.Arg184His (NM_001303238.2); short protein forms R184H, R253H.
Identifiers: ClinVar variation 1019689 (VCV001019689.7), dbSNP rs200423927, ClinGen allele CA10063072.

ClinVar aggregate classification (germline): Uncertain significance (1 of 4 stars; one submission).

Conditions:
Leukocyte adhesion deficiency 1 (LAD1). Also called: LEUKOCYTE ADHESION DEFICIENCY, TYPE I; LAD 1; Lymphocyte function-associated antigen 1 immunodeficiency; LFA 1 immunodeficiency. Identifiers: Orphanet 2968, Orphanet 99842, MedGen C0398738, MONDO:0007293, OMIM 116920.

Allele frequency attached by ClinVar (database versions not stated): TOPMed 0.00010; ESP Exome Variant Server 0.00015; 1000 Genomes Project 30x 0.00031; 1000 Genomes Project 0.00040.
gnomAD v4.1: 139 of 1,613,934 alleles (0.0086%); highest among the groups gnomAD compares: East Asian, 0.02%; no homozygotes.

Submission:

Labcorp Genetics (formerly Invitae), Labcorp
Classification: Uncertain significance for Leukocyte adhesion deficiency 1. Last evaluated: 2022-08-15. Review status: criteria provided, single submitter. Criteria: Invitae Variant Classification Sherloc (09022015). Collection method: clinical testing. Allele origin: germline.
Comment: This sequence change replaces arginine, which is basic and polar, with histidine, which is basic and polar, at codon 253 of the ITGB2 protein (p.Arg253His). This variant is present in population databases (rs200423927, gnomAD 0.03%). This missense change has been observed in individual(s) with leukocyte adhesion deficiency type 1 (LAD1) (PMID: 33391282). ClinVar contains an entry for this variant (Variation ID: 1019689). Algorithms developed to predict the effect of missense changes on protein structure and function (SIFT, PolyPhen-2, Align-GVGD) all suggest that this variant is likely to be tolerated. In summary, the available evidence is currently insufficient to determine the role of this variant in disease. Therefore, it has been classified as a Variant of Uncertain Significance.

Literature cited by the submitters: PubMed 33391282.